The following is an entry in ClinVar:

NM_001371727.1(GABRB2):c.1377T>C (p.His459=)

Gene: GABRB2 (gamma-aminobutyric acid type A receptor subunit beta2; minus strand). Cytogenetic location: 5q34.
Variant type: single nucleotide variant.
Coding change: c.1377T>C on transcript NM_001371727.1 (MANE Select); coding-DNA position 1377, T replaced by C.
Protein change: p.His459=; no amino-acid change (histidine 459 retained).
Molecular consequence: synonymous variant.
Genome position (GRCh38, 1-based): chr5:161,294,243, A>G on the plus strand (T>C on the coding strand, the complement: GABRB2 is on the minus strand). VCF-style: chr5-161294243-A-G. GRCh37 (hg19) VCF-style: chr5-160721250-A-G.
Other names: c.1263T>C, p.His421= (NM_000813.3); c.1377T>C, p.His459= (NM_021911.3).
Identifiers: ClinVar variation 391753 (VCV000391753.37), dbSNP rs201342925, ClinGen allele CA3543328.

ClinVar aggregate classification (germline): Likely benign. Review status: criteria provided, multiple submitters, no conflicts (2 of 4 stars). 4 submissions from 4 submitters: Likely benign (4). Last evaluated 2025-12-16.

Conditions:
Intellectual disability. Also called: intellectual disabilities; Intellectual developmental disorder; Intellectual functioning disability. Identifiers: MedGen C3714756, MeSH D008607, MONDO:0001071, HP:0001249.

Allele frequency attached by ClinVar (database versions not stated): gnomAD 0.00003 and 0.00004; TOPMed 0.00003; ExAC 0.00004; gnomAD exomes 0.00005 and 0.00007; ESP Exome Variant Server 0.00008.
gnomAD v4.1: 82 of 1,614,010 alleles (0.0051%); highest among the groups gnomAD compares: Non-Finnish European, 0.004%; no homozygotes.

Submissions (4):

Labcorp Genetics (formerly Invitae), Labcorp
Classification: Likely benign for Intellectual disability. Last evaluated: 2025-12-16. Review status: criteria provided, single submitter. Criteria: Invitae Variant Classification Sherloc (09022015). Collection method: clinical testing. Allele origin: germline.

Blueprint Genetics
Classification: Likely benign. Last evaluated: 2023-12-28. Review status: criteria provided, single submitter. Criteria: ACMG Guidelines, 2015. Collection method: clinical testing. Allele origin: germline.

CeGaT Center for Human Genetics Tuebingen
Classification: Likely benign. Last evaluated: 2023-06-01. Review status: criteria provided, single submitter. Criteria: CeGaT Center For Human Genetics Tuebingen Variant Classification Criteria Version 2. Collection method: clinical testing. Allele origin: germline. Affected: yes. Observed: 4 variant alleles.
Comment: GABRB2: BP4, BP7

GeneDx
Classification: Likely benign. Last evaluated: 2016-12-20. Review status: criteria provided, single submitter. Criteria: GeneDx Variant Classification (06012015). Collection method: clinical testing. Allele origin: germline. Affected: yes.
Comment: This variant is considered likely benign or benign based on one or more of the following criteria: it is a conservative change, it occurs at a poorly conserved position in the protein, it is predicted to be benign by multiple in silico algorithms, and/or has population frequency not consistent with disease.